The following is an entry in ClinVar:

ClinVar aggregate classification (germline): Uncertain significance (1 of 4 stars; one submission).

Conditions:
Alpha thalassemia-X-linked intellectual disability syndrome (ATRX). Also called: ALPHA-THALASSEMIA/MENTAL RETARDATION SYNDROME, X-LINKED; ATR, NONDELETION TYPE; ATR-X syndrome; Alpha thalassemia mental retardation syndrome, nondeletion type, X-linked; XLMR hypotonic face syndrome; X-linked alpha-thalassemia-mental retardation syndrome. Identifiers: Orphanet 847, MedGen C1845055, MONDO:0010519, OMIM 301040.

Submission:

Labcorp Genetics (formerly Invitae), Labcorp
Classification: Uncertain significance for Alpha thalassemia-X-linked intellectual disability syndrome. Last evaluated: 2022-04-07. Review status: criteria provided, single submitter. Criteria: Invitae Variant Classification Sherloc (09022015). Collection method: clinical testing. Allele origin: germline.
Comment: This sequence change replaces glycine, which is neutral and non-polar, with arginine, which is basic and polar, at codon 1038 of the ATRX protein (p.Gly1038Arg). In summary, the available evidence is currently insufficient to determine the role of this variant in disease. Therefore, it has been classified as a Variant of Uncertain Significance. Advanced modeling of protein sequence and biophysical properties (such as structural, functional, and spatial information, amino acid conservation, physicochemical variation, residue mobility, and thermodynamic stability) performed at Invitae indicates that this missense variant is not expected to disrupt ATRX protein function. This variant has not been reported in the literature in individuals affected with ATRX-related conditions. This variant is not present in population databases (gnomAD no frequency).

NM_000489.6(ATRX):c.3112G>A (p.Gly1038Arg)

Gene: ATRX (ATRX chromatin remodeler; minus strand). Cytogenetic location: Xq21.1.
Variant type: single nucleotide variant.
Coding change: c.3112G>A on transcript NM_000489.6 (MANE Select); coding-DNA position 3112, G replaced by A.
Protein change: p.Gly1038Arg; replaces glycine 1038 with arginine.
Molecular consequence: missense variant.
Genome position (GRCh38, 1-based): chrX:77,682,144, C>T on the plus strand (G>A on the coding strand, the complement: ATRX is on the minus strand). VCF-style: chrX-77682144-C-T. GRCh37 (hg19) VCF-style: chrX-76937636-C-T.
Other names: c.2998G>A, p.Gly1000Arg (NM_138270.5); short protein forms G1000R, G1038R.
Identifiers: ClinVar variation 2122660 (VCV002122660.4), dbSNP rs2148581474, ClinGen allele CA413707937.